The following is an entry in ClinVar:

NM_005245.4(FAT1):c.7243T>C (p.Tyr2415His)

Gene: FAT1 (FAT atypical cadherin 1; minus strand). Cytogenetic location: 4q35.2.
Variant type: single nucleotide variant.
Coding change: c.7243T>C on transcript NM_005245.4 (MANE Select); coding-DNA position 7243, T replaced by C.
Protein change: p.Tyr2415His; replaces tyrosine 2415 with histidine.
Molecular consequence: missense variant.
Genome position (GRCh38, 1-based): chr4:186,619,343, A>G on the plus strand (T>C on the coding strand, the complement: FAT1 is on the minus strand). VCF-style: chr4-186619343-A-G. GRCh37 (hg19) VCF-style: chr4-187540497-A-G.
Other names: short protein forms Y2415H.
Identifiers: ClinVar variation 1895959 (VCV001895959.5), dbSNP rs780479078, ClinGen allele CA3166087.

ClinVar aggregate classification (germline): Uncertain significance (1 of 4 stars; one submission).

gnomAD v4.1: 1 of 1,614,060 alleles (0.000062%); highest among the groups gnomAD compares: Admixed American, 0.0017%; no homozygotes.

Submission:

Labcorp Genetics (formerly Invitae), Labcorp
Classification: Uncertain significance. Last evaluated: 2023-07-07. Review status: criteria provided, single submitter. Criteria: Invitae Variant Classification Sherloc (09022015). Collection method: clinical testing. Allele origin: germline.
Comment: This sequence change replaces tyrosine, which is neutral and polar, with histidine, which is basic and polar, at codon 2415 of the FAT1 protein (p.Tyr2415His). This variant is present in population databases (rs780479078, gnomAD 0.003%). This variant has not been reported in the literature in individuals affected with FAT1-related conditions. ClinVar contains an entry for this variant (Variation ID: 1895959). Advanced modeling of protein sequence and biophysical properties (such as structural, functional, and spatial information, amino acid conservation, physicochemical variation, residue mobility, and thermodynamic stability) performed at Invitae indicates that this missense variant is not expected to disrupt FAT1 protein function. In summary, the available evidence is currently insufficient to determine the role of this variant in disease. Therefore, it has been classified as a Variant of Uncertain Significance.